The following is an entry in ClinVar:

NM_005982.4(SIX1):c.14C>A (p.Pro5Gln)

Gene: SIX1 (SIX homeobox 1; minus strand). Cytogenetic location: 14q23.1.
Variant type: single nucleotide variant.
Coding change: c.14C>A on transcript NM_005982.4 (MANE Select); coding-DNA position 14, C replaced by A.
Protein change: p.Pro5Gln; replaces proline 5 with glutamine.
Molecular consequence: missense variant.
Genome position (GRCh38, 1-based): chr14:60,649,176, G>T on the plus strand (C>A on the coding strand, the complement: SIX1 is on the minus strand). VCF-style: chr14-60649176-G-T. GRCh37 (hg19) VCF-style: chr14-61115894-G-T.
Other names: c.14C>A, p.Pro5Gln (NM_001425142.1); short protein forms P5Q.
Identifiers: ClinVar variation 2923373 (VCV002923373.3), dbSNP rs771057416, ClinGen allele CA7212872.

ClinVar aggregate classification (germline): Uncertain significance (1 of 4 stars; one submission).

Conditions:
Branchiootic syndrome 3 (BOS3). Also called: BO SYNDROME 3. Identifiers: MedGen C1842124, MONDO:0012025, OMIM 608389.
Autosomal dominant nonsyndromic hearing loss 23. Identifiers: Orphanet 90635, MedGen C1854594, MONDO:0011519, OMIM 605192.

Allele frequency attached by ClinVar (database versions not stated): TOPMed 0.00002; gnomAD 0.00003.
gnomAD v4.1: 10 of 1,608,996 alleles (0.00062%); highest among the groups gnomAD compares: African/African-American, 0.0067%; no homozygotes.

Submission:

Labcorp Genetics (formerly Invitae), Labcorp
Classification: Uncertain significance for Autosomal dominant nonsyndromic hearing loss 23; Branchiootic syndrome 3. Last evaluated: 2025-08-18. Review status: criteria provided, single submitter. Criteria: Invitae Variant Classification Sherloc (09022015). Collection method: clinical testing. Allele origin: germline.
Comment: This sequence change replaces proline, which is neutral and non-polar, with glutamine, which is neutral and polar, at codon 5 of the SIX1 protein (p.Pro5Gln). This variant is present in population databases (rs771057416, gnomAD 0.006%). This variant has not been reported in the literature in individuals affected with SIX1-related conditions. ClinVar contains an entry for this variant (Variation ID: 2923373). An algorithm developed to predict the effect of missense changes on protein structure and function (PolyPhen-2) suggests that this variant is likely to be tolerated. In summary, the available evidence is currently insufficient to determine the role of this variant in disease. Therefore, it has been classified as a Variant of Uncertain Significance.